The following is an entry in ClinVar:

ClinVar aggregate classification (germline): Likely pathogenic (1 of 4 stars; one submission).

Conditions:
Dilated cardiomyopathy 1G (CMD1G). Identifiers: Orphanet 154, MedGen C1858763, MONDO:0011400, OMIM 604145.
Autosomal recessive limb-girdle muscular dystrophy type 2J (LGMDR10). Also called: MUSCULAR DYSTROPHY, LIMB-GIRDLE, AUTOSOMAL RECESSIVE 10; Limb-girdle muscular dystrophy, type 2J. Identifiers: Orphanet 140922, MedGen C1837342, MONDO:0012127, OMIM 608807.

Allele frequency attached by ClinVar (database versions not stated): gnomAD exomes below 0.00001.

Submission:

Labcorp Genetics (formerly Invitae), Labcorp
Classification: Likely pathogenic for Dilated cardiomyopathy 1G; Autosomal recessive limb-girdle muscular dystrophy type 2J. Last evaluated: 2024-10-18. Review status: criteria provided, single submitter. Criteria: Invitae Variant Classification Sherloc (09022015). Collection method: clinical testing. Allele origin: germline.
Comment: This sequence change creates a premature translational stop signal (p.Arg14439Leufs*3) in the TTN gene. While this is not anticipated to result in nonsense mediated decay, it is expected to create a truncated TTN protein. This variant is not present in population databases (gnomAD no frequency). This variant has not been reported in the literature in individuals affected with TTN-related conditions. ClinVar contains an entry for this variant (Variation ID: 2005153). Algorithms developed to predict the effect of sequence changes on RNA splicing suggest that this variant may disrupt the consensus splice site. This variant is located in the I band of TTN (PMID: 25589632). Truncating variants in this region have been reported in individuals affected with autosomal recessive centronuclear myopathy (PMID: 23975875, internal data). Truncating variants in this region have also been identified in individuals affected with autosomal dominant dilated cardiomyopathy and/or cardio-related conditions (PMID: 27869827, 32964742, internal data). In summary, the currently available evidence indicates that the variant is pathogenic, but additional data are needed to prove that conclusively. Therefore, this variant has been classified as Likely Pathogenic.

Literature cited by the submitters: PubMed 25589632; PubMed 23975875; PubMed 27869827; PubMed 32964742.

NM_001267550.2(TTN):c.43316del (p.Arg14439fs)

Gene: TTN (titin; minus strand). Cytogenetic location: 2q31.2.
Variant type: Deletion.
Coding change: c.43316del on transcript NM_001267550.2 (MANE Select); coding-DNA position 43316, one base deleted (G; older notation c.43316delG).
Protein change: p.Arg14439fs; shifts the reading frame from arginine 14439.
Molecular consequence: frameshift variant.
Genome position (GRCh38, 1-based): chr2:178,632,690, C deleted on the plus strand (G on the coding strand, the reverse complement: TTN is on the minus strand). VCF-style (leftmost placement, unchanged base first): chr2-178632689-AC-A. GRCh37 (hg19) VCF-style: chr2-179497416-AC-A.
Other names: c.38393del, p.Arg12798fs (NM_001256850.1); c.16121del, p.Arg5374fs (NM_003319.4); c.35612del, p.Arg11871fs (NM_133378.4); c.16496del, p.Arg5499fs (NM_133432.3); c.16697del, p.Arg5566fs (NM_133437.4); short protein forms R5374fs, R5566fs, R12798fs, R14439fs, R5499fs, R11871fs.
Identifiers: ClinVar variation 2005153 (VCV002005153.4), dbSNP rs2471474603, ClinGen allele CA2580065126.